The following is an entry in ClinVar:

NM_003718.5(CDK13):c.2515A>G (p.Lys839Glu)

Gene: CDK13 (cyclin dependent kinase 13; plus strand). Cytogenetic location: 7p14.1.
Variant type: single nucleotide variant.
Coding change: c.2515A>G on transcript NM_003718.5 (MANE Select); coding-DNA position 2515, A replaced by G.
Protein change: p.Lys839Glu; replaces lysine 839 with glutamic acid.
Molecular consequence: missense variant.
Genome position (GRCh38, 1-based): chr7:40,045,997, A>G. VCF-style: chr7-40045997-A-G. GRCh37 (hg19) VCF-style: chr7-40085596-A-G.
Other names: c.2515A>G, p.Lys839Glu (NM_031267.4); short protein forms K839E.
Identifiers: ClinVar variation 3349748 (VCV003349748.1).
Genomic context (GRCh38, chr7:40,045,997, plus strand): 5'-AGACAGCTCATGGAGGGTCTGGATTATTGTCATAAGAAGAACTTTTTGCATAGAGATATT[A>G]AATGTTCCAATATCCTTCTAAATAATAGGTATGGGTATGAACTTTATATATATTTAAAAT-3'
Protein context (NP_003709.3, residues 829-849): HKKNFLHRDI[Lys839Glu]CSNILLNNRG

ClinVar aggregate classification (germline): Uncertain significance (0 of 4 stars; one submission).

Conditions:
CDK13-related disorder. Also called: CDK13-related condition. Identifiers: MedGen C5816700.

Submission:

PreventionGenetics, part of Exact Sciences
Classification: Uncertain significance for CDK13-related condition. Last evaluated: 2024-03-19. Review status: no assertion criteria provided. Collection method: clinical testing. Allele origin: germline.
Comment: The CDK13 c.2515A>G variant is predicted to result in the amino acid substitution p.Lys839Glu. To our knowledge, this variant has not been reported in the literature or in a large population database, indicating this variant is rare. Although we suspect that this variant may be pathogenic, at this time, the clinical significance of this variant is uncertain due to the absence of conclusive functional and genetic evidence.